The following is an entry in ClinVar:

ClinVar aggregate classification (germline): Uncertain significance. Review status: criteria provided, multiple submitters, no conflicts (2 of 4 stars). 2 submissions from 2 submitters: Uncertain significance (2). Last evaluated 2025-05-29.

Conditions:
Very long chain acyl-CoA dehydrogenase deficiency (ACADVLD). Also called: Very Long-Chain Acyl-Coenzyme A Dehydrogenase Deficiency; VLCAD Deficiency. Identifiers: Orphanet 26793, MedGen C3887523, MONDO:0008723, OMIM 201475.

Allele frequency attached by ClinVar (database versions not stated): gnomAD 0.00001; TOPMed 0.00001; ExAC 0.00002; gnomAD exomes 0.00002; 1000 Genomes Project 30x 0.00016; 1000 Genomes Project 0.00020.
gnomAD v4.1: 39 of 1,613,118 alleles (0.0024%); highest among the groups gnomAD compares: Non-Finnish European, 0.0031%; no homozygotes.

Submissions (2):

Labcorp Genetics (formerly Invitae), Labcorp
Classification: Uncertain significance for Very long chain acyl-CoA dehydrogenase deficiency. Last evaluated: 2025-05-29. Review status: criteria provided, single submitter. Criteria: Invitae Variant Classification Sherloc (09022015). Collection method: clinical testing. Allele origin: germline.
Comment: This sequence change replaces threonine, which is neutral and polar, with alanine, which is neutral and non-polar, at codon 393 of the ACADVL protein (p.Thr393Ala). This variant is present in population databases (rs199840831, gnomAD 0.004%). This variant has not been reported in the literature in individuals affected with ACADVL-related conditions. ClinVar contains an entry for this variant (Variation ID: 1521929). Invitae Evidence Modeling of protein sequence and biophysical properties (such as structural, functional, and spatial information, amino acid conservation, physicochemical variation, residue mobility, and thermodynamic stability) indicates that this missense variant is not expected to disrupt ACADVL protein function with a negative predictive value of 80%. In summary, the available evidence is currently insufficient to determine the role of this variant in disease. Therefore, it has been classified as a Variant of Uncertain Significance.

ARUP Laboratories, Molecular Genetics and Genomics, ARUP Laboratories
Classification: Uncertain significance for Very long chain acyl-CoA dehydrogenase deficiency. Last evaluated: 2024-07-26. Review status: criteria provided, single submitter. Criteria: ARUP Molecular Germline Variant Investigation Process 2024. Collection method: clinical testing. Allele origin: germline.
Comment: The ACADVL c.1177A>G; p.Thr393Ala variant (rs199840831), to our knowledge, is not reported in the medical literature but is reported in ClinVar (Variation ID: 1521929). This variant is only observed on four alleles in the Genome Aggregation Database (v2.1.1), indicating it is not a common polymorphism. Computational analyses are uncertain whether this variant is neutral or deleterious (REVEL: 0.718). Due to limited information, the clinical significance of this variant is uncertain at this time.

NM_000018.4(ACADVL):c.1177A>G (p.Thr393Ala)

Gene: ACADVL (acyl-CoA dehydrogenase very long chain; plus strand). Cytogenetic location: 17p13.1.
Variant type: single nucleotide variant.
Coding change: c.1177A>G on transcript NM_000018.4 (MANE Select); coding-DNA position 1177, A replaced by G.
Protein change: p.Thr393Ala; replaces threonine 393 with alanine.
Molecular consequence: missense variant.
Genome position (GRCh38, 1-based): chr17:7,223,232, A>G. VCF-style: chr17-7223232-A-G. GRCh37 (hg19) VCF-style: chr17-7126551-A-G.
Other names: c.1111A>G, p.Thr371Ala (NM_001033859.3); c.1246A>G, p.Thr416Ala (NM_001270447.2); c.949A>G, p.Thr317Ala (NM_001270448.2); short protein forms T317A, T393A, T416A, T371A.
Identifiers: ClinVar variation 1521929 (VCV001521929.7), dbSNP rs199840831, ClinGen allele CA8337980.
Genomic context (GRCh38, chr17:7,223,232, plus strand): 5'-ATTCACAACTTTGGGCTGATCCAGGAGAAGCTGGCACGGATGGTTATGCTGCAGTATGTA[A>G]CTGAGGTGAGGGCCTCCCAAGCCCCTCTCCCTGGAGCCCTGGGGCTTTCTTCCCAGTCGG-3'
Protein context (NP_000009.1, residues 383-403): LARMVMLQYV[Thr393Ala]ESMAYMVSAN